The following is an entry in ClinVar:

NM_000307.5(POU3F4):c.583G>T (p.Glu195Ter)

Gene: POU3F4 (POU class 3 homeobox 4; plus strand). Cytogenetic location: Xq21.1.
Variant type: single nucleotide variant.
Coding change: c.583G>T on transcript NM_000307.5 (MANE Select); coding-DNA position 583, G replaced by T.
Protein change: p.Glu195Ter; replaces glutamic acid 195 with a stop codon.
Molecular consequence: nonsense.
Genome position (GRCh38, 1-based): chrX:83,508,907, G>T. VCF-style: chrX-83508907-G-T. GRCh37 (hg19) VCF-style: chrX-82763915-G-T.
Other names: short protein forms E195*.
Identifiers: ClinVar variation 3630026 (VCV003630026.1).

ClinVar aggregate classification (germline): Pathogenic (1 of 4 stars; one submission).

Conditions:
Nonsyndromic genetic hearing loss. Also called: Nonsyndromic hearing loss and deafness; Non-syndromic genetic deafness; Nonsyndromic genetic deafness. Identifiers: Orphanet 87884, MedGen C5680182, MONDO:0019497.

Submission:

Women's Health and Genetics/Laboratory Corporation of America, LabCorp
Classification: Pathogenic for Nonsyndromic genetic hearing loss. Last evaluated: 2024-11-18. Review status: criteria provided, single submitter. Criteria: LabCorp Variant Classification Summary - May 2015. Collection method: clinical testing. Allele origin: germline.
Comment: Variant summary: POU3F4 c.583G>T (p.Glu195X) results in a premature termination codon, not expected to elicit nonsense mediated decay (NMD), but is predicted to cause a truncation of the encoded protein, which would affect the POU-specific domain (amino acids 186-260, IPR000327) and Homeodomain (amino acids 278-340, IPR001356) of the encoded protein sequence. The variant was absent in 182864 control chromosomes (gnomAD). To our knowledge, no occurrence of c.583G>T in individuals affected with Nonsyndromic Hearing Loss And Deafness, X-Linked 2 and no experimental evidence demonstrating its impact on protein function have been reported. No submitters have cited clinical-significance assessments for this variant to ClinVar. However, several truncations up- and downstream from this position are reported in patients (HGMD), and classified as Pathogenic in ClinVar. Based on the evidence outlined above, the variant was classified as pathogenic.